The following is an entry in ClinVar:

NM_004341.5(CAD):c.625C>G (p.Leu209Val)

Gene: CAD (carbamoyl-phosphate synthetase 2, aspartate transcarbamylase, and dihydroorotase; plus strand). Cytogenetic location: 2p23.3.
Variant type: single nucleotide variant.
Coding change: c.625C>G on transcript NM_004341.5 (MANE Select); coding-DNA position 625, C replaced by G.
Protein change: p.Leu209Val; replaces leucine 209 with valine.
Molecular consequence: missense variant.
Genome position (GRCh38, 1-based): chr2:27,222,648, C>G. VCF-style: chr2-27222648-C-G. GRCh37 (hg19) VCF-style: chr2-27445516-C-G.
Other names: c.625C>G, p.Leu209Val (NM_001306079.2); short protein forms L209V.
Identifiers: ClinVar variation 808712 (VCV000808712.46), dbSNP rs374182358, ClinGen allele CA1572469.

ClinVar aggregate classification (germline): Uncertain significance. Review status: criteria provided, multiple submitters, no conflicts (2 of 4 stars). 4 submissions from 4 submitters: Uncertain significance (4). Last evaluated 2023-02-27.

Conditions:
Inborn genetic diseases. Identifiers: MedGen C0950123, MeSH D030342.
Developmental and epileptic encephalopathy, 50 (DEE50). Also called: Epileptic encephalopathy, early infantile, 50. Identifiers: Orphanet 448010, MedGen C4225320, MONDO:0014647, OMIM 616457.

Allele frequency attached by ClinVar (database versions not stated): TOPMed below 0.00001; gnomAD 0.00001 and 0.00002; ExAC 0.00002; gnomAD exomes 0.00002; ESP Exome Variant Server 0.00008.
gnomAD v4.1: 13 of 1,613,694 alleles (0.00081%); highest among the groups gnomAD compares: East Asian, 0.018%; no homozygotes.

Submissions (4):

Ambry Genetics
Classification: Uncertain significance for Inborn genetic diseases. Last evaluated: 2023-02-27. Review status: criteria provided, single submitter. Criteria: Ambry Variant Classification Scheme 2023. Collection method: clinical testing. Allele origin: germline.

Labcorp Genetics (formerly Invitae), Labcorp
Classification: Uncertain significance. Last evaluated: 2022-07-26. Review status: criteria provided, single submitter. Criteria: Invitae Variant Classification Sherloc (09022015). Collection method: clinical testing. Allele origin: germline.
Comment: This sequence change replaces leucine, which is neutral and non-polar, with valine, which is neutral and non-polar, at codon 209 of the CAD protein (p.Leu209Val). This variant is present in population databases (rs374182358, gnomAD 0.01%). This variant has not been reported in the literature in individuals affected with CAD-related conditions. ClinVar contains an entry for this variant (Variation ID: 808712). Algorithms developed to predict the effect of missense changes on protein structure and function (SIFT, PolyPhen-2, Align-GVGD) all suggest that this variant is likely to be tolerated. In summary, the available evidence is currently insufficient to determine the role of this variant in disease. Therefore, it has been classified as a Variant of Uncertain Significance.

CeGaT Center for Human Genetics Tuebingen
Classification: Uncertain significance. Last evaluated: 2018-09-01. Review status: criteria provided, single submitter. Criteria: CeGaT Center For Human Genetics Tuebingen Variant Classification Criteria Version 2. Collection method: clinical testing. Allele origin: germline. Affected: yes. Observed: 1 variant allele.

Baylor Genetics
Classification: Uncertain significance for Developmental and epileptic encephalopathy, 50. Last evaluated: 2018-03-26. Review status: criteria provided, single submitter. Criteria: ACMG Guidelines, 2015. Collection method: clinical testing. Allele origin: unknown. Affected: yes.
Comment: This variant was determined to be of uncertain significance according to ACMG Guidelines, 2015 [PMID:25741868].